The following is an entry in ClinVar:

ClinVar aggregate classification (germline): Uncertain significance (1 of 4 stars; one submission).

Allele frequency attached by ClinVar (database versions not stated): gnomAD exomes below 0.00001 and 0.00001; ExAC 0.00001.
gnomAD v4.1: 10 of 1,614,086 alleles (0.00062%); highest among the groups gnomAD compares: South Asian, 0.0033%; no homozygotes.

Submission:

Labcorp Genetics (formerly Invitae), Labcorp
Classification: Uncertain significance. Last evaluated: 2022-07-18. Review status: criteria provided, single submitter. Criteria: Invitae Variant Classification Sherloc (09022015). Collection method: clinical testing. Allele origin: germline.
Comment: In summary, the available evidence is currently insufficient to determine the role of this variant in disease. Therefore, it has been classified as a Variant of Uncertain Significance. Algorithms developed to predict the effect of sequence changes on RNA splicing suggest that this variant may create or strengthen a splice site. Advanced modeling of protein sequence and biophysical properties (such as structural, functional, and spatial information, amino acid conservation, physicochemical variation, residue mobility, and thermodynamic stability) performed at Invitae indicates that this missense variant is not expected to disrupt SLC26A5 protein function. ClinVar contains an entry for this variant (Variation ID: 1372766). This variant has not been reported in the literature in individuals affected with SLC26A5-related conditions. This variant is present in population databases (rs776398574, gnomAD 0.003%). This sequence change replaces alanine, which is neutral and non-polar, with valine, which is neutral and non-polar, at codon 288 of the SLC26A5 protein (p.Ala288Val).

NM_198999.3(SLC26A5):c.863C>T (p.Ala288Val)

Gene: SLC26A5 (solute carrier family 26 member 5; minus strand). Cytogenetic location: 7q22.1.
Variant type: single nucleotide variant.
Coding change: c.863C>T on transcript NM_198999.3 (MANE Select); coding-DNA position 863, C replaced by T.
Protein change: p.Ala288Val; replaces alanine 288 with valine.
Molecular consequence: missense variant. On other transcripts: non-coding transcript variant (5).
Genome position (GRCh38, 1-based): chr7:103,407,876, G>A on the plus strand (C>T on the coding strand, the complement: SLC26A5 is on the minus strand). VCF-style: chr7-103407876-G-A. GRCh37 (hg19) VCF-style: chr7-103048323-G-A.
Other names: c.863C>T, p.Ala288Val (NM_001167962.2, NM_001321787.2, NM_206883.3 and 2 more transcripts); short protein forms A288V.
Identifiers: ClinVar variation 1372766 (VCV001372766.8), dbSNP rs776398574, ClinGen allele CA4419682.